The following is an entry in ClinVar:

ClinVar aggregate classification (germline): Likely benign. Review status: criteria provided, single submitter (1 of 4 stars). 2 submissions from 2 submitters: Likely benign (1). 1 of the submissions does not count toward it. Last evaluated 2022-06-07.

Conditions:
Hereditary breast ovarian cancer syndrome. Also called: Hereditary breast and/or ovarian cancer syndrome; Breast and ovarian cancer; Hereditary breast and ovarian cancer syndrome; Hereditary breast and ovarian cancer; Hereditary breast and ovarian cancer syndrome (HBOC); BRCA1- and BRCA2-Associated Hereditary Breast and Ovarian Cancer. Identifiers: Orphanet 145, MedGen C0677776, MeSH D061325, MONDO:0003582. Disease mechanism: loss of function.
Breast-ovarian cancer, familial, susceptibility to, 1 (BROVCA1). Also called: BRCA1 Hereditary Breast and Ovarian Cancer; OVARIAN CANCER, SUSCEPTIBILITY TO. Identifiers: Orphanet 145, MedGen C2676676, MONDO:0011450, OMIM 604370. Disease mechanism: loss of function.

Submissions (3):

Labcorp Genetics (formerly Invitae), Labcorp
Classification: Likely benign for Hereditary breast ovarian cancer syndrome. Last evaluated: 2022-06-07. Review status: criteria provided, single submitter. Criteria: Invitae Variant Classification Sherloc (09022015). Collection method: clinical testing. Allele origin: germline.

Breast Cancer Information Core (BIC) (BRCA1)
Classification: Uncertain significance for Breast-ovarian cancer, familial 1. Last evaluated: 2002-05-29. Review status: no assertion criteria provided. Collection method: clinical testing. Allele origin: germline. Affected: yes. Observed: 1 variant allele. Not counted in ClinVar's aggregate classification.

Brotman Baty Institute, University of Washington
No classification provided (evidence only). Condition: Breast-ovarian cancer, familial 1. Review status: no classification provided. Collection method: in vitro. Allele origin: not applicable. Functional consequence: functionally_normal. Not counted in ClinVar's aggregate classification.
ClinVar note: "not provided" was previously submitted as the classification for the variant. However, the classification appeared to be based only on an observation of functional data so it was converted to no classification on 2025-07-30.

NM_007294.4(BRCA1):c.-11A>C

Gene: BRCA1 (BRCA1 DNA repair associated; minus strand). Cytogenetic location: 17q21.31.
Variant type: single nucleotide variant.
Coding change: c.-11A>C on transcript NM_007294.4 (MANE Select); 11 bases upstream of the start codon, A replaced by C.
Molecular consequence: 5 prime UTR variant. On other transcripts: non-coding transcript variant (1).
Genome position (GRCh38, 1-based): chr17:43,124,107, T>G on the plus strand (A>C on the coding strand, the complement: BRCA1 is on the minus strand). VCF-style: chr17-43124107-T-G. GRCh37 (hg19) VCF-style: chr17-41276124-T-G.
Other names: 109A/C; c.-199A>C (NM_001407894.1, NM_001407895.1, NM_001407897.1 and 42 more transcripts); c.-145A>C (NM_001407898.1, NM_001407902.1, NM_001407881.1); c.-318A>C (NM_001407917.1, NM_001407954.1, NM_001408513.1); c.-11A>C (NM_001407919.1, NM_001407937.1, NM_001407938.1 and 169 more transcripts); c.-297A>C (NM_001407920.1, NM_001407697.1, NM_001407846.1); c.-271A>C (NM_001407921.1, NM_001407923.1, NM_001407927.1 and 22 more transcripts); c.-98A>C (NM_001407924.1, NM_001407925.1, NM_001407928.1 and 21 more transcripts); and 9 more.
Identifiers: ClinVar variation 125480 (VCV000125480.9), dbSNP rs273897654, ClinGen allele CA000788.
Genomic context (GRCh38, chr17:43,124,107, plus strand): 5'-GCATTAATGACATTTTGTACTTCTTCAACGCGAAGAGCAGATAAATCCATTTCTTTCTGT[T>G]CCAATGAACTTTAACACATTAGAAAAACATATATATATATCTTTTTAAAAGGTTTATAAA-3'